The following is an entry in ClinVar:

ClinVar aggregate classification (germline): Likely pathogenic (1 of 4 stars; one submission).

Conditions:
Methylmalonic aciduria due to methylmalonyl-CoA mutase deficiency (MAMM). Also called: Methylmalonic aciduria, mut type. Identifiers: Orphanet 27, MedGen C1855114, MONDO:0009612, OMIM 251000.

Submission:

Myriad Genetics, Inc.
Classification: Likely pathogenic for Methylmalonic aciduria due to methylmalonyl-CoA mutase deficiency. Last evaluated: 2019-03-12. Review status: criteria provided, single submitter. Criteria: Myriad Women's Health Autosomal Recessive and X-Linked Classification Criteria (2019). Collection method: clinical testing. Allele origin: unknown.
Comment: NM_000255.3(MUT):c.842T>A(L281*) is expected to be pathogenic in the context of MUT-related methylmalonic acidemia. This variant is predicted to lead to an abnormal or absent protein product due to the creation of a premature termination codon in MUT, a gene where loss-of-function variants are known to be pathogenic. Please note: this variant was assessed in the context of healthy population screening.

NM_000255.4(MMUT):c.842T>A (p.Leu281Ter)

Gene: MMUT (methylmalonyl-CoA mutase; minus strand). Cytogenetic location: 6p12.3.
Variant type: single nucleotide variant.
Coding change: c.842T>A on transcript NM_000255.4 (MANE Select); coding-DNA position 842, T replaced by A.
Protein change: p.Leu281Ter; replaces leucine 281 with a stop codon.
Molecular consequence: nonsense.
Genome position (GRCh38, 1-based): chr6:49,456,149, A>T on the plus strand (T>A on the coding strand, the complement: MMUT is on the minus strand). VCF-style: chr6-49456149-A-T. GRCh37 (hg19) VCF-style: chr6-49423862-A-T.
Other names: short protein forms L281*.
Identifiers: ClinVar variation 984269 (VCV000984269.3), dbSNP rs796052007, ClinGen allele CA364402219.